The following is an entry in ClinVar:

NM_001077350.3(NPRL3):c.1534A>G (p.Met512Val)

Genes: HBA-LCR (alpha-globin locus control region; plus strand), NPRL3 (NPR3 like, GATOR1 complex subunit; minus strand). Cytogenetic location: 16p13.3.
Variant type: single nucleotide variant.
Coding change: c.1534A>G on transcript NM_001077350.3 (MANE Select); coding-DNA position 1534, A replaced by G.
Protein change: p.Met512Val; replaces methionine 512 with valine.
Molecular consequence: missense variant.
Genome position (GRCh38, 1-based): chr16:88,708, T>C on the plus strand (A>G on the coding strand, the complement: NPRL3 is on the minus strand). VCF-style: chr16-88708-T-C. GRCh37 (hg19) VCF-style: chr16-138707-T-C.
Other names: c.997A>G, p.Met333Val (NM_001039476.3); c.1300A>G, p.Met434Val (NM_001243247.2); c.1459A>G, p.Met487Val (NM_001243248.2, NM_001243249.2); short protein forms M333V, M434V, M487V, M512V.
Identifiers: ClinVar variation 1059376 (VCV001059376.9), dbSNP rs768263296, ClinGen allele CA7769299.

ClinVar aggregate classification (germline): Uncertain significance (1 of 4 stars; one submission).

Conditions:
Epilepsy, familial focal, with variable foci 3 (FFEVF3). Identifiers: MedGen C4310708, MONDO:0014925, OMIM 617118.

Allele frequency attached by ClinVar (database versions not stated): ExAC 0.00001; gnomAD 0.00001; gnomAD exomes 0.00001; TOPMed 0.00002.
gnomAD v4.1: 4 of 1,609,700 alleles (0.00025%); highest among the groups gnomAD compares: Admixed American, 0.0017%; no homozygotes.

Submission:

Labcorp Genetics (formerly Invitae), Labcorp
Classification: Uncertain significance for Epilepsy, familial focal, with variable foci 3. Last evaluated: 2022-03-19. Review status: criteria provided, single submitter. Criteria: Invitae Variant Classification Sherloc (09022015). Collection method: clinical testing. Allele origin: germline.
Comment: In summary, the available evidence is currently insufficient to determine the role of this variant in disease. Therefore, it has been classified as a Variant of Uncertain Significance. Experimental studies and prediction algorithms are not available or were not evaluated, and the functional significance of this variant is currently unknown. ClinVar contains an entry for this variant (Variation ID: 1059376). This variant has not been reported in the literature in individuals affected with NPRL3-related conditions. This variant is present in population databases (rs768263296, gnomAD 0.003%). This sequence change replaces methionine, which is neutral and non-polar, with valine, which is neutral and non-polar, at codon 512 of the NPRL3 protein (p.Met512Val).